The following is an entry in ClinVar:

NM_001144967.3(NEDD4L):c.349-9del

Gene: NEDD4L (NEDD4 like E3 ubiquitin protein ligase; plus strand). Cytogenetic location: 18q21.31.
Variant type: Deletion.
Coding change: c.349-9del on transcript NM_001144967.3 (MANE Select); 9 bases into the intron before coding-DNA position 349, one base deleted (T; older notation c.349-9delT).
Molecular consequence: intron variant.
Genome position (GRCh38, 1-based): chr18:58,322,416, T deleted; the last of 6 consecutive T bases (chr18:58,322,411-58,322,416); deleting any one gives the same sequence. VCF-style (leftmost placement, unchanged base first): chr18-58322410-GT-G. GRCh37 (hg19) VCF-style: chr18-55989642-GT-G.
Other names: NC_000018.9:g.55989648del; c.349-9delT (NM_001144967.3); c.349-9del (NM_015277.6, NM_001243960.2); c.-15-9del (NM_001144964.1, NM_001144971.2, NM_001144965.2 and 2 more transcripts); c.325-9del (NM_001144968.2, NM_001144969.2).
Identifiers: ClinVar variation 1530834 (VCV001530834.10), dbSNP rs748936457, ClinGen allele CA8975328.

ClinVar aggregate classification (germline): Conflicting classifications of pathogenicity. Review status: criteria provided, conflicting classifications (1 of 4 stars). 3 submissions from 3 submitters: Uncertain significance (1); Benign (1); Likely benign (1). Last evaluated 2026-01-01.

Conditions:
Periventricular nodular heterotopia 7 (PVNH7). Identifiers: MedGen C4310669, MONDO:0014966, OMIM 617201.

Submissions (4):

Labcorp Genetics (formerly Invitae), Labcorp
Classification: Benign. Last evaluated: 2026-01-01. Review status: criteria provided, single submitter. Criteria: Invitae Variant Classification Sherloc (09022015). Collection method: clinical testing. Allele origin: germline.

Women's Health and Genetics/Laboratory Corporation of America, LabCorp
Classification: Likely benign. Last evaluated: 2025-07-10. Review status: criteria provided, single submitter. Criteria: LabCorp Variant Classification Summary - May 2015. Collection method: clinical testing. Allele origin: germline.
Comment: Variant summary: NEDD4L c.349-9delT alters a nucleotide located at a position not widely known to affect splicing. Consensus agreement among computation tools predict no significant impact on normal splicing. However, these predictions have yet to be confirmed by functional studies. The variant allele was found at a frequency of 3.3e-05 in 243600 control chromosomes. The available data on variant occurrences in the general population are insufficient to allow any conclusion about variant significance. To our knowledge, no occurrence of c.349-9delT in individuals affected with Periventricular Nodular Heterotopia 7 and no experimental evidence demonstrating its impact on protein function have been reported. ClinVar contains an entry for this variant (Variation ID: 1530834). Based on the evidence outlined above, the variant was classified as likely benign.

Center for Genomics, Ann and Robert H. Lurie Children's Hospital of Chicago
Classification: Uncertain significance for Periventricular nodular heterotopia 7. Last evaluated: 2022-12-29. Review status: criteria provided, single submitter. Criteria: ACMG Guidelines, 2015. Collection method: clinical testing. Allele origin: germline.
Comment: This variant has not been reported in the literature but is present in the Genome Aggregation Database (Highest reported MAF 0.006% [1/14992]). This variant is present in ClinVar (Variation ID: 1530834). Evolutionary conservation and computational prediction tools for this variant are limited or unavailable. This is an intronic variant with no predicted change in the amino acid sequence, but it may have an unknown effect on splicing. Splice prediction tools do not suggest that this variant may affect splicing. However, further studies are needed to understand its impact. In summary, data on this variant is insufficient for disease classification. Therefore, the clinical significance of this variant is uncertain.

Dr. Peter K. Rogan Lab, Western University
No classification provided (evidence only). Condition: Colon adenocarcinoma. Review status: no classification provided. Collection method: in vitro. Allele origin: not applicable. Functional consequence: retained intron. Not counted in ClinVar's aggregate classification.